The following is an entry in ClinVar:

NC_012920.1(MT-ND4):m.12040A>T

Gene: MT-ND4 (mitochondrially encoded NADH dehydrogenase 4; plus strand).
Variant type: single nucleotide variant.
Genome position: chrM-12040-A-T.
Identifiers: ClinVar variation 693405 (VCV000693405.1), dbSNP rs1603223523, ClinGen allele CA414812223.

ClinVar aggregate classification (germline): Uncertain significance (1 of 4 stars; one submission).

Conditions:
Leigh syndrome (NULS). Also called: Leigh's necrotizing encephalopathy; Leigh's disease; Leigh Syndrome (mtDNA deletion); Leigh Disease; Subacute necrotizing encephalopathy; Necrotizing encephalopathy infantile subacute of Leigh. Identifiers: Orphanet 506, MedGen C2931891, MONDO:0009723, OMIM 256000.

Submission:

Wong Mito Lab, Molecular and Human Genetics, Baylor College of Medicine
Classification: Uncertain significance for Leigh syndrome. Last evaluated: 2019-10-17. Review status: criteria provided, single submitter. Criteria: Modified ACMG Guidelines (Unpublished). Collection method: clinical testing. Allele origin: germline.
Comment: The NC_012920.1:m.12040A>T (YP_003024035.1:p.Lys427Asn) variant in MTND4 gene is interpretated to be a Uncertain Significance variant based on the modified ACMG guidelines (unpublished). This variant meets the following evidence codes: PP6, PP7, BP4, BP5